The following is an entry in ClinVar:

NM_000073.3(CD3G):c.13A>T (p.Lys5Ter)

Gene: CD3G (CD3 gamma subunit of T-cell receptor complex; plus strand). Cytogenetic location: 11q23.3.
Variant type: single nucleotide variant.
Coding change: c.13A>T on transcript NM_000073.3 (MANE Select); coding-DNA position 13, A replaced by T.
Protein change: p.Lys5Ter; replaces lysine 5 with a stop codon.
Molecular consequence: nonsense.
Genome position (GRCh38, 1-based): chr11:118,344,436, A>T. VCF-style: chr11-118344436-A-T. GRCh37 (hg19) VCF-style: chr11-118215151-A-T.
Other names: short protein forms K5*.
Identifiers: ClinVar variation 965164 (VCV000965164.5), dbSNP rs1948335884, ClinGen allele CA382791526.

ClinVar aggregate classification (germline): Pathogenic (1 of 4 stars; one submission).

Conditions:
Combined immunodeficiency due to CD3gamma deficiency. Also called: CD3-GAMMA DEFICIENCY; SCID-LIKE IMMUNODEFICIENCY, T CELL-PARTIAL, B CELL-POSITIVE, NK CELL-POSITIVE; Immunodeficiency 17; Immunodeficiency 17, CD3 gamma deficient. Identifiers: Orphanet 169082, MedGen C3810107, MONDO:0014276, OMIM 615607.

Allele frequency attached by ClinVar (database versions not stated): TOPMed below 0.00001.

Submission:

Labcorp Genetics (formerly Invitae), Labcorp
Classification: Pathogenic for Combined immunodeficiency due to CD3gamma deficiency. Last evaluated: 2021-03-25. Review status: criteria provided, single submitter. Criteria: Invitae Variant Classification Sherloc (09022015). Collection method: clinical testing. Allele origin: germline.
Comment: This sequence change creates a premature translational stop signal (p.Lys5*) in the CD3G gene. It is expected to result in an absent or disrupted protein product. This variant is not present in population databases (ExAC no frequency). This variant has not been reported in the literature in individuals with CD3G-related conditions. Algorithms developed to predict the effect of sequence changes on RNA splicing suggest that this variant may create or strengthen a splice site, but this prediction has not been confirmed by published transcriptional studies. Loss-of-function variants in CD3G are known to be pathogenic (PMID: 1635567, 17277165, 24910257). For these reasons, this variant has been classified as Pathogenic.

Literature cited by the submitters: PubMed 1635567; PubMed 17277165; PubMed 24910257.